The following is an entry in ClinVar:

NM_014141.6(CNTNAP2):c.3116A>C (p.Gln1039Pro)

Gene: CNTNAP2 (contactin associated protein 2; plus strand). Cytogenetic location: 7q36.1.
Variant type: single nucleotide variant.
Coding change: c.3116A>C on transcript NM_014141.6 (MANE Select); coding-DNA position 3116, A replaced by C.
Protein change: p.Gln1039Pro; replaces glutamine 1039 with proline.
Molecular consequence: missense variant.
Genome position (GRCh38, 1-based): chr7:148,217,393, A>C. VCF-style: chr7-148217393-A-C. GRCh37 (hg19) VCF-style: chr7-147914485-A-C.
Other names: short protein forms Q1039P.
Identifiers: ClinVar variation 420878 (VCV000420878.2), dbSNP rs1064794761, ClinGen allele CA16618388.

ClinVar aggregate classification (germline): Uncertain significance (1 of 4 stars; one submission).

Allele frequency attached by ClinVar (database versions not stated): gnomAD exomes below 0.00001.
gnomAD v4.1: 2 of 1,614,132 alleles (0.00012%); highest among the groups gnomAD compares: Non-Finnish European, 0.00017%; no homozygotes.

Submission:

GeneDx
Classification: Uncertain significance. Last evaluated: 2016-04-13. Review status: criteria provided, single submitter. Criteria: GeneDx Variant Classification (06012015). Collection method: clinical testing. Allele origin: germline. Affected: yes.
Comment: A variant of uncertain significance has been identified in the CNTNAP2 gene. The Q1039P variant has been reported previously in an individual with persistent developmental stuttering; however, additional information regarding the phenotype of the individual and information about parental testing were not provided (Han et al., 2014). It was not observed in approximately 6,500 individuals of European and African American ancestry in the NHLBI Exome Sequencing Project, indicating it is not a common benign variant in these populations. The Q1039P variant is a non-conservative amino acid substitution, which is likely to impact secondary protein structure as these residues differ in polarity, charge, size and/or other properties. However, this substitution occurs at a position that is not conserved, and Proline has been seen at this position in evolution. Additionally, in silico analysis predicts this variant likely does not alter the protein structure/function. Therefore, based on the currently available information, it is unclear whether this variant is a pathogenic variant or a rare benign variant.